The following is an entry in ClinVar:

NM_003482.4(KMT2D):c.14080G>C (p.Glu4694Gln)

Gene: KMT2D (lysine methyltransferase 2D; minus strand). Cytogenetic location: 12q13.12.
Variant type: single nucleotide variant.
Coding change: c.14080G>C on transcript NM_003482.4 (MANE Select); coding-DNA position 14080, G replaced by C.
Protein change: p.Glu4694Gln; replaces glutamic acid 4694 with glutamine.
Molecular consequence: missense variant.
Genome position (GRCh38, 1-based): chr12:49,029,232, C>G on the plus strand (G>C on the coding strand, the complement: KMT2D is on the minus strand). VCF-style: chr12-49029232-C-G. GRCh37 (hg19) VCF-style: chr12-49423015-C-G.
Other names: short protein forms E4694Q.
Identifiers: ClinVar variation 134726 (VCV000134726.22), dbSNP rs587778483, ClinGen allele CA160623.

ClinVar aggregate classification (germline): Conflicting classifications of pathogenicity. Review status: criteria provided, conflicting classifications (1 of 4 stars). 8 submissions from 8 submitters: Likely pathogenic (1); Benign (2); Likely benign (4). 1 of the submissions does not count toward it. Last evaluated 2026-05-20.

Conditions:
Kabuki syndrome. Also called: Kabuki make-up syndrome; NIIKAWA-KUROKI SYNDROME. Identifiers: Orphanet 2322, MedGen C0796004, MONDO:0016512.
Kabuki syndrome 1 (KABUK1). Also called: KMT2D-Related Kabuki Syndrome. Identifiers: Orphanet 2322, MedGen CN030661, MONDO:0007843, OMIM 147920.

Allele frequency attached by ClinVar (database versions not stated): gnomAD exomes 0.00012 and 0.00059; TOPMed 0.00023; ExAC 0.00043; gnomAD 0.00009 and 0.00010.
gnomAD v4.1: 185 of 1,610,704 alleles (0.011%); highest among the groups gnomAD compares: Admixed American, 0.31%; 1 homozygote.

Submissions (8):

Women's Health and Genetics/Laboratory Corporation of America, LabCorp
Classification: Likely benign. Last evaluated: 2026-05-20. Review status: criteria provided, single submitter. Criteria: LabCorp Variant Classification Summary - May 2015. Collection method: clinical testing. Allele origin: germline.
Comment: Variant summary: KMT2D c.14080G>C (p.Glu4694Gln) results in a conservative amino acid change in the encoded protein sequence. Algorithms developed to predict the effect of missense changes on protein structure and function are either unavailable or do not agree on the potential impact of this missense change. The variant allele was found at a frequency of 0.00059 in 248970 control chromosomes, predominantly at a frequency of 0.0042 within the Latino subpopulation in the gnomAD database, including 1 homozygotes. The observed variant frequency within Latino control individuals in the gnomAD database exceeds the estimated maximal expected allele frequency for disease-causing variants in KMT2D. To our knowledge, no occurrence of c.14080G>C in individuals affected with KMT2D-related conditions and no experimental evidence demonstrating its impact on protein function have been reported. ClinVar contains an entry for this variant (Variation ID: 134726). Based on the evidence outlined above, the variant was classified as likely benign.

Labcorp Genetics (formerly Invitae), Labcorp
Classification: Benign for Kabuki syndrome. Last evaluated: 2026-01-19. Review status: criteria provided, single submitter. Criteria: Invitae Variant Classification Sherloc (09022015). Collection method: clinical testing. Allele origin: germline.

CeGaT Center for Human Genetics Tuebingen
Classification: Likely benign. Last evaluated: 2025-12-01. Review status: criteria provided, single submitter. Criteria: CeGaT Center For Human Genetics Tuebingen Variant Classification Criteria Version 2. Collection method: clinical testing. Allele origin: germline. Affected: yes. Observed: 1 variant allele.
Comment: KMT2D: BS1

Blueprint Genetics
Classification: Likely benign. Last evaluated: 2024-02-19. Review status: criteria provided, single submitter. Criteria: ACMG Guidelines, 2015. Collection method: clinical testing. Allele origin: germline.

GeneDx
Classification: Benign. Last evaluated: 2021-04-20. Review status: criteria provided, single submitter. Criteria: GeneDx Variant Classification Process June 2021. Collection method: clinical testing. Allele origin: germline. Affected: yes.

Center for Human Genetics, Inc
Classification: Likely pathogenic for Kabuki syndrome 1. Last evaluated: 2016-11-01. Review status: criteria provided, single submitter. Criteria: ACMG Guidelines, 2015. Collection method: clinical testing. Allele origin: germline. Affected: yes.

Genetic Services Laboratory, University of Chicago
Classification: Likely benign. Last evaluated: 2014-03-07. Review status: criteria provided, single submitter. Criteria: ACMG Guidelines, 2007. Collection method: clinical testing. Allele origin: germline. Inheritance: Autosomal dominant inheritance.

ITMI
No classification provided. Condition: AllHighlyPenetrant. Last evaluated: 2013-09-19. Review status: no classification provided. Collection method: reference population. Allele origin: germline. Not counted in ClinVar's aggregate classification.
Comment: Please see associated publication for description of ethnicities

Literature cited by the submitters: PubMed 24728327 (cited by ITMI).